The following is an entry in ClinVar:

ClinVar aggregate classification (germline): Uncertain significance. Review status: criteria provided, multiple submitters, no conflicts (2 of 4 stars). 2 submissions from 2 submitters: Uncertain significance (2). Last evaluated 2025-08-13.

Conditions:
Inborn genetic diseases. Identifiers: MedGen C0950123, MeSH D030342.
Pyruvate dehydrogenase E2 deficiency (PDHDD). Also called: Dihydrolipoamide Acetyltransferase (E2) Deficiency; LACTIC ACIDEMIA DUE TO DEFECT OF E2 LIPOYL TRANSACETYLASE OF THE PYRUVATE DEHYDROGENASE COMPLEX. Identifiers: Orphanet 765, Orphanet 79244, MedGen C1855565, MONDO:0009502, OMIM 245348.

Allele frequency attached by ClinVar (database versions not stated): gnomAD 0.00001.
gnomAD v4.1: 5 of 1,613,194 alleles (0.00031%); highest among the groups gnomAD compares: Non-Finnish European, 0.00042%; no homozygotes.

Submissions (2):

Ambry Genetics
Classification: Uncertain significance for Inborn genetic diseases. Last evaluated: 2025-08-13. Review status: criteria provided, single submitter. Criteria: Ambry Variant Classification Scheme 2023. Collection method: clinical testing. Allele origin: germline.

Labcorp Genetics (formerly Invitae), Labcorp
Classification: Uncertain significance for Pyruvate dehydrogenase E2 deficiency. Last evaluated: 2023-07-17. Review status: criteria provided, single submitter. Criteria: Invitae Variant Classification Sherloc (09022015). Collection method: clinical testing. Allele origin: germline.
Comment: In summary, the available evidence is currently insufficient to determine the role of this variant in disease. Therefore, it has been classified as a Variant of Uncertain Significance. Advanced modeling of protein sequence and biophysical properties (such as structural, functional, and spatial information, amino acid conservation, physicochemical variation, residue mobility, and thermodynamic stability) performed at Invitae indicates that this missense variant is expected to disrupt DLAT protein function. ClinVar contains an entry for this variant (Variation ID: 1463195). This variant has not been reported in the literature in individuals affected with DLAT-related conditions. This variant is present in population databases (no rsID available, gnomAD 0.0009%). This sequence change replaces arginine, which is basic and polar, with serine, which is neutral and polar, at codon 429 of the DLAT protein (p.Arg429Ser).

NM_001931.5(DLAT):c.1285C>A (p.Arg429Ser)

Gene: DLAT (dihydrolipoamide S-acetyltransferase; plus strand). Cytogenetic location: 11q23.1.
Variant type: single nucleotide variant.
Coding change: c.1285C>A on transcript NM_001931.5 (MANE Select); coding-DNA position 1285, C replaced by A.
Protein change: p.Arg429Ser; replaces arginine 429 with serine.
Molecular consequence: missense variant. On other transcripts: non-coding transcript variant (1).
Genome position (GRCh38, 1-based): chr11:112,045,225, C>A. VCF-style: chr11-112045225-C-A. GRCh37 (hg19) VCF-style: chr11-111915949-C-A.
Other names: c.1285C>A, p.Arg429Ser (NM_001372031.1, NM_001372033.1, NM_001372035.1); c.1279C>A, p.Arg427Ser (NM_001372032.1); c.1252C>A, p.Arg418Ser (NM_001372034.1); c.1159C>A, p.Arg387Ser (NM_001372036.1); c.1117C>A, p.Arg373Ser (NM_001372037.1); c.1006C>A, p.Arg336Ser (NM_001372038.1); c.970C>A, p.Arg324Ser (NM_001372039.1, NM_001372041.1); c.904C>A, p.Arg302Ser (NM_001372040.1); and 2 more; short protein forms R336S, R275S, R373S, R387S, R429S, R324S, R302S, R418S.
Identifiers: ClinVar variation 1463195 (VCV001463195.7), dbSNP rs782233322, ClinGen allele CA382614069.